The following is an entry in ClinVar:

NM_005121.3(MED13):c.3496C>T (p.Leu1166Phe)

Gene: MED13 (mediator complex subunit 13; minus strand). Cytogenetic location: 17q23.2.
Variant type: single nucleotide variant.
Coding change: c.3496C>T on transcript NM_005121.3 (MANE Select); coding-DNA position 3496, C replaced by T.
Protein change: p.Leu1166Phe; replaces leucine 1166 with phenylalanine.
Molecular consequence: missense variant.
Genome position (GRCh38, 1-based): chr17:61,982,507, G>A on the plus strand (C>T on the coding strand, the complement: MED13 is on the minus strand). VCF-style: chr17-61982507-G-A. GRCh37 (hg19) VCF-style: chr17-60059868-G-A.
Other names: short protein forms L1166F.
Identifiers: ClinVar variation 2443572 (VCV002443572.1), dbSNP rs1476770233, ClinGen allele CA400503643.

ClinVar aggregate classification (germline): Uncertain significance (1 of 4 stars; one submission).

gnomAD v4.1: 1 of 1,614,162 alleles (0.000062%); highest among the groups gnomAD compares: South Asian, 0.0011%; no homozygotes.

Submission:

GeneDx
Classification: Uncertain significance. Last evaluated: 2022-09-07. Review status: criteria provided, single submitter. Criteria: GeneDx Variant Classification Process June 2021. Collection method: clinical testing. Allele origin: germline. Affected: yes.
Comment: Not observed at significant frequency in large population cohorts (gnomAD); In silico analysis supports that this missense variant does not alter protein structure/function; Has not been previously published as pathogenic or benign to our knowledge